The following is an entry in ClinVar:

NM_004991.4(MECOM):c.999C>A (p.Asn333Lys)

Gene: MECOM (MDS1 and EVI1 complex locus; minus strand). Cytogenetic location: 3q26.2.
Variant type: single nucleotide variant.
Coding change: c.999C>A on transcript NM_004991.4 (MANE Select); coding-DNA position 999, C replaced by A.
Protein change: p.Asn333Lys; replaces asparagine 333 with lysine.
Molecular consequence: missense variant.
Genome position (GRCh38, 1-based): chr3:169,121,189, G>T on the plus strand (C>A on the coding strand, the complement: MECOM is on the minus strand). VCF-style: chr3-169121189-G-T. GRCh37 (hg19) VCF-style: chr3-168838977-G-T.
Other names: c.630C>A, p.Asn210Lys (NM_001105077.4); c.435C>A, p.Asn145Lys (NM_001105078.4, NM_001164000.2, NM_001205194.2 and 5 more transcripts); c.438C>A, p.Asn146Lys (NM_001163999.2, NM_001366467.2, NM_001366468.2 and 1 more transcripts); c.999C>A, p.Asn333Lys (NM_001366466.2, NM_001366473.2); short protein forms N333K, N145K, N146K, N210K.
Identifiers: ClinVar variation 3871616 (VCV003871616.1).

ClinVar aggregate classification (germline): Uncertain significance (1 of 4 stars; one submission).

Conditions:
Inborn genetic diseases. Identifiers: MedGen C0950123, MeSH D030342.

gnomAD v4.1: 4 of 1,611,158 alleles (0.00025%); highest among the groups gnomAD compares: Non-Finnish European, 0.00034%; no homozygotes.

Submission:

Ambry Genetics
Classification: Uncertain significance for Inborn genetic diseases. Last evaluated: 2024-12-15. Review status: criteria provided, single submitter. Criteria: Ambry Variant Classification Scheme 2023. Collection method: clinical testing. Allele origin: germline.
Comment: The p.N333K variant (also known as c.999C>A), located in coding exon 7 of the MECOM gene, results from a C to A substitution at nucleotide position 999. The asparagine at codon 333 is replaced by lysine, an amino acid with similar properties. This amino acid position is conserved. In addition, this alteration is predicted to be tolerated by in silico analysis. Based on the available evidence, the clinical significance of this variant remains unclear.